The following is an entry in ClinVar:

ClinVar aggregate classification (germline): Uncertain significance. Review status: criteria provided, multiple submitters, no conflicts (2 of 4 stars). 3 submissions from 3 submitters: Uncertain significance (3). Last evaluated 2025-11-08.

Conditions:
Hereditary cancer-predisposing syndrome. Also called: Hereditary Cancer Syndrome; Neoplastic Syndromes, Hereditary; Tumor predisposition; Hereditary neoplastic syndrome. Identifiers: Orphanet 140162, MedGen C0027672, MeSH D009386, MONDO:0015356.
Rhabdoid tumor predisposition syndrome 2 (RTPS2). Identifiers: Orphanet 231108, Orphanet 69077, MedGen C2750074, MONDO:0013224, OMIM 613325.
Intellectual disability, autosomal dominant 16 (CSS4). Also called: COFFIN-SIRIS SYNDROME 4. Identifiers: Orphanet 1465, MedGen C3553249, MONDO:0013821, OMIM 614609.

Allele frequency attached by ClinVar (database versions not stated): TOPMed below 0.00001; gnomAD 0.00001.
gnomAD v4.1: 2 of 1,610,278 alleles (0.00012%); highest among the groups gnomAD compares: Non-Finnish European, 0.000085%; no homozygotes.

Submissions (3):

Ambry Genetics
Classification: Uncertain significance for Hereditary cancer-predisposing syndrome. Last evaluated: 2025-11-08. Review status: criteria provided, single submitter. Criteria: Ambry Variant Classification Scheme 2023. Collection method: clinical testing. Allele origin: germline.
Comment: The p.G44E variant (also known as c.131G>A), located in coding exon 1 of the SMARCA4 gene, results from a G to A substitution at nucleotide position 131. The glycine at codon 44 is replaced by glutamic acid, an amino acid with similar properties. This amino acid position is highly conserved in available vertebrate species. In addition, this alteration is predicted to be deleterious by in silico analysis. Since supporting evidence is limited at this time, the clinical significance of this alteration remains unclear.

Labcorp Genetics (formerly Invitae), Labcorp
Classification: Uncertain significance for Rhabdoid tumor predisposition syndrome 2. Last evaluated: 2025-01-17. Review status: criteria provided, single submitter. Criteria: Invitae Variant Classification Sherloc (09022015). Collection method: clinical testing. Allele origin: germline.
Comment: This sequence change replaces glycine, which is neutral and non-polar, with glutamic acid, which is acidic and polar, at codon 44 of the SMARCA4 protein (p.Gly44Glu). This variant is not present in population databases (gnomAD no frequency). This variant has not been reported in the literature in individuals affected with SMARCA4-related conditions. ClinVar contains an entry for this variant (Variation ID: 480655). Invitae Evidence Modeling of protein sequence and biophysical properties (such as structural, functional, and spatial information, amino acid conservation, physicochemical variation, residue mobility, and thermodynamic stability) has been performed for this missense variant. However, the output from this modeling did not meet the statistical confidence thresholds required to predict the impact of this variant on SMARCA4 protein function. In summary, the available evidence is currently insufficient to determine the role of this variant in disease. Therefore, it has been classified as a Variant of Uncertain Significance.

Genome-Nilou Lab
Classification: Uncertain significance for Intellectual disability, autosomal dominant 16. Last evaluated: 2021-07-15. Review status: criteria provided, single submitter. Criteria: ACMG Guidelines, 2015. Collection method: clinical testing. Allele origin: germline. Affected: no.

NM_003072.5(SMARCA4):c.131G>A (p.Gly44Glu)

Gene: SMARCA4 (SWI/SNF related BAF chromatin remodeling complex subunit ATPase 4; plus strand). Cytogenetic location: 19p13.2.
Variant type: single nucleotide variant.
Coding change: c.131G>A on transcript NM_003072.5 (MANE Select); coding-DNA position 131, G replaced by A.
Protein change: p.Gly44Glu; replaces glycine 44 with glutamic acid.
Molecular consequence: missense variant. On other transcripts: non-coding transcript variant (1).
Genome position (GRCh38, 1-based): chr19:10,984,282, G>A. VCF-style: chr19-10984282-G-A. GRCh37 (hg19) VCF-style: chr19-11094958-G-A.
Other names: c.131G>A, p.Gly44Glu (NM_001128844.3, NM_001128845.2, NM_001128846.2 and 5 more transcripts); short protein forms G44E.
Identifiers: ClinVar variation 480655 (VCV000480655.18), dbSNP rs1344101243, ClinGen allele CA404054376.